The following is an entry in ClinVar:

ClinVar aggregate classification (germline): Uncertain significance. Review status: criteria provided, multiple submitters, no conflicts (2 of 4 stars). 3 submissions from 3 submitters: Uncertain significance (2). 1 of the submissions does not count toward it. Last evaluated 2025-12-03.

Conditions:
NPHP4-related disorder. Also called: NPHP4-related condition; NPHP4-related disorders. Identifiers: MedGen CN239384.
Nephronophthisis. Also called: Juvenile Nephronophthisis. Identifiers: Orphanet 655, MedGen C0687120, MONDO:0019005, HP:0000090.

Allele frequency attached by ClinVar (database versions not stated): gnomAD exomes 0.00002 and 0.00009; ExAC 0.00007; gnomAD 0.00012 and 0.00013; TOPMed 0.00012; 1000 Genomes Project 30x 0.00031; 1000 Genomes Project 0.00040.
gnomAD v4.1: 49 of 1,602,590 alleles (0.0031%); highest among the groups gnomAD compares: Admixed American, 0.077%; no homozygotes.

Submissions (3):

Labcorp Genetics (formerly Invitae), Labcorp
Classification: Uncertain significance for Nephronophthisis. Last evaluated: 2025-12-03. Review status: criteria provided, single submitter. Criteria: Invitae Variant Classification Sherloc (09022015). Collection method: clinical testing. Allele origin: germline.
Comment: This sequence change falls in intron 3 of the NPHP4 gene. It does not directly change the encoded amino acid sequence of the NPHP4 protein. It affects a nucleotide within the consensus splice site. This variant is present in population databases (rs199856317, gnomAD 0.06%). This variant has not been reported in the literature in individuals affected with NPHP4-related conditions. ClinVar contains an entry for this variant (Variation ID: 501949). Variants that disrupt the consensus splice site are a relatively common cause of aberrant splicing (PMID: 17576681, 9536098). Algorithms developed to predict the effect of sequence changes on RNA splicing suggest that this variant is not likely to affect RNA splicing. In summary, the available evidence is currently insufficient to determine the role of this variant in disease. Therefore, it has been classified as a Variant of Uncertain Significance.

Eurofins Ntd Llc (ga)
Classification: Uncertain significance. Last evaluated: 2018-08-08. Review status: criteria provided, single submitter. Criteria: EGL ClinVar v180209 classification definitions. Collection method: clinical testing. Allele origin: germline. Observed: 5 variant alleles, 5 heterozygotes.

PreventionGenetics, part of Exact Sciences
Classification: Likely benign for NPHP4-related condition. Last evaluated: 2021-11-04. Review status: no assertion criteria provided. Collection method: clinical testing. Allele origin: germline. Not counted in ClinVar's aggregate classification.
Comment: This variant is classified as likely benign based on ACMG/AMP sequence variant interpretation guidelines (Richards et al. 2015 PMID: 25741868, with internal and published modifications).

Literature cited by the submitters: PubMed 17576681 (cited by Labcorp Genetics (formerly Invitae), Labcorp); PubMed 9536098 (cited by Labcorp Genetics (formerly Invitae), Labcorp).

NM_015102.5(NPHP4):c.279+6C>T

Gene: NPHP4 (nephrocystin 4; minus strand). Cytogenetic location: 1p36.31.
Variant type: single nucleotide variant.
Coding change: c.279+6C>T on transcript NM_015102.5 (MANE Select); 6 bases into the intron after coding-DNA position 279, C replaced by T.
Molecular consequence: intron variant.
Genome position (GRCh38, 1-based): chr1:5,978,264, G>A on the plus strand (C>T on the coding strand, the complement: NPHP4 is on the minus strand). VCF-style: chr1-5978264-G-A. GRCh37 (hg19) VCF-style: chr1-6038324-G-A.
Other names: c.-951+6C>T (NM_001291593.2); c.-1087-9005C>T (NM_001291594.2).
Identifiers: ClinVar variation 501949 (VCV000501949.13), dbSNP rs199856317, ClinGen allele CA554888.